The following is an entry in ClinVar:

ClinVar aggregate classification (germline): Uncertain significance (1 of 4 stars; one submission).

Conditions:
Hereditary cancer-predisposing syndrome. Also called: Neoplastic Syndromes, Hereditary; Hereditary Cancer Syndrome; Tumor predisposition; Hereditary neoplastic syndrome. Identifiers: Orphanet 140162, MedGen C0027672, MeSH D009386, MONDO:0015356.

Submission:

Ambry Genetics
Classification: Uncertain significance for Hereditary cancer-predisposing syndrome. Last evaluated: 2025-01-14. Review status: criteria provided, single submitter. Criteria: Ambry Variant Classification Scheme 2023. Collection method: clinical testing. Allele origin: germline.
Comment: The p.K904R variant (also known as c.2711A>G), located in coding exon 17 of the PTCH1 gene, results from an A to G substitution at nucleotide position 2711. The lysine at codon 904 is replaced by arginine, an amino acid with highly similar properties. This amino acid position is conserved. In addition, this alteration is predicted to be tolerated by in silico analysis. Based on the available evidence, the clinical significance of this variant remains unclear.

NM_000264.5(PTCH1):c.2711A>G (p.Lys904Arg)

Gene: PTCH1 (patched 1; minus strand). Cytogenetic location: 9q22.32.
Variant type: single nucleotide variant.
Coding change: c.2711A>G on transcript NM_000264.5 (MANE Select); coding-DNA position 2711, A replaced by G.
Protein change: p.Lys904Arg; replaces lysine 904 with arginine.
Molecular consequence: missense variant. On other transcripts: non-coding transcript variant (1).
Genome position (GRCh38, 1-based): chr9:95,459,776, T>C on the plus strand (A>G on the coding strand, the complement: PTCH1 is on the minus strand). VCF-style: chr9-95459776-T-C. GRCh37 (hg19) VCF-style: chr9-98222058-T-C.
Other names: c.2513A>G, p.Lys838Arg (NM_001083602.3); c.2708A>G, p.Lys903Arg (NM_001083603.3); c.2258A>G, p.Lys753Arg (NM_001083604.3, NM_001083605.3, NM_001083606.3 and 1 more transcripts); c.2555A>G, p.Lys852Arg (NM_001354918.2); short protein forms K838R, K852R, K903R, K904R, K753R.
Identifiers: ClinVar variation 3784638 (VCV003784638.1).